The following is an entry in ClinVar:

ClinVar aggregate classification (germline): Likely benign. Review status: criteria provided, multiple submitters, no conflicts (2 of 4 stars). 4 submissions from 4 submitters: Likely benign (3). 1 of the submissions does not count toward it. Last evaluated 2025-10-01.

Conditions:
CHAMP1-related disorder. Also called: CHAMP1-related condition.

Allele frequency attached by ClinVar (database versions not stated): gnomAD 0.00001 and 0.00004; ExAC 0.00004; TOPMed 0.00004; 1000 Genomes Project 30x 0.00031; 1000 Genomes Project 0.00040.
gnomAD v4.1: 77 of 1,614,128 alleles (0.0048%); highest among the groups gnomAD compares: East Asian, 0.1%; no homozygotes.

Submissions (4):

CeGaT Center for Human Genetics Tuebingen
Classification: Likely benign. Last evaluated: 2025-10-01. Review status: criteria provided, single submitter. Criteria: CeGaT Center For Human Genetics Tuebingen Variant Classification Criteria Version 2. Collection method: clinical testing. Allele origin: germline. Affected: yes. Observed: 1 variant allele.
Comment: CHAMP1: BP4, BP7

Blueprint Genetics
Classification: Likely benign. Last evaluated: 2024-06-18. Review status: criteria provided, single submitter. Criteria: ACMG Guidelines, 2015. Collection method: clinical testing. Allele origin: germline.

Labcorp Genetics (formerly Invitae), Labcorp
Classification: Likely benign. Last evaluated: 2018-05-25. Review status: criteria provided, single submitter. Criteria: Invitae Variant Classification Sherloc (09022015). Collection method: clinical testing. Allele origin: germline.

PreventionGenetics, part of Exact Sciences
Classification: Likely benign for CHAMP1-related condition. Last evaluated: 2019-05-23. Review status: no assertion criteria provided. Collection method: clinical testing. Allele origin: germline. Not counted in ClinVar's aggregate classification.
Comment: This variant is classified as likely benign based on ACMG/AMP sequence variant interpretation guidelines (Richards et al. 2015 PMID: 25741868, with internal and published modifications).

NM_032436.4(CHAMP1):c.516T>A (p.Pro172=)

Gene: CHAMP1 (chromosome alignment maintaining phosphoprotein 1; plus strand). Cytogenetic location: 13q34.
Variant type: single nucleotide variant.
Coding change: c.516T>A on transcript NM_032436.4 (MANE Select); coding-DNA position 516, T replaced by A.
Protein change: p.Pro172=; no amino-acid change (proline 172 retained).
Molecular consequence: synonymous variant.
Genome position (GRCh38, 1-based): chr13:114,324,358, T>A. VCF-style: chr13-114324358-T-A. GRCh37 (hg19) VCF-style: chr13-115089833-T-A.
Other names: c.516T>A (NM_001164145.2); c.516T>A, p.Pro172= (NM_001164144.3, NM_001164145.3).
Identifiers: ClinVar variation 728926 (VCV000728926.12), dbSNP rs189158463, ClinGen allele CA7070632.